The following is an entry in ClinVar:

NM_006245.4(PPP2R5D):c.917+11G>A

Gene: PPP2R5D (protein phosphatase 2 regulatory subunit B'delta; plus strand). Cytogenetic location: 6p21.1.
Variant type: single nucleotide variant.
Coding change: c.917+11G>A on transcript NM_006245.4 (MANE Select); 11 bases into the intron after coding-DNA position 917, G replaced by A.
Molecular consequence: intron variant.
Genome position (GRCh38, 1-based): chr6:43,008,271, G>A. VCF-style: chr6-43008271-G-A. GRCh37 (hg19) VCF-style: chr6-42976009-G-A.
Other names: c.464+11G>A (NM_001270476.2); c.821+11G>A (NM_180976.3); c.599+11G>A (NM_180977.3).
Identifiers: ClinVar variation 1905254 (VCV001905254.7), dbSNP rs755243916, ClinGen allele CA3811940.

ClinVar aggregate classification (germline): Conflicting classifications of pathogenicity. Review status: criteria provided, conflicting classifications (1 of 4 stars). 2 submissions from 2 submitters: Uncertain significance (1); Likely benign (1). Last evaluated 2025-11-07.

gnomAD v4.1: 28 of 1,614,050 alleles (0.0017%); highest among the groups gnomAD compares: Middle Eastern, 0.016%; no homozygotes.

Submissions (3):

Women's Health and Genetics/Laboratory Corporation of America, LabCorp
Classification: Uncertain significance. Last evaluated: 2025-11-07. Review status: criteria provided, single submitter. Criteria: LabCorp Variant Classification Summary - May 2015. Collection method: clinical testing. Allele origin: germline.
Comment: Variant summary: PPP2R5D c.917+11G>A alters a nucleotide located at a position not widely known to affect splicing. Several computational tools predict a significant impact on normal splicing: Four predict the variant creates/strengthens a cryptic 5' donor site. However, these predictions have yet to be confirmed by functional studies. The variant allele was found at a frequency of 1.6e-05 in 251458 control chromosomes. The available data on variant occurrences in the general population are insufficient to allow any conclusion about variant significance. To our knowledge, no occurrence of c.917+11G>A in individuals affected with PPP2R5D-related conditions and no experimental evidence demonstrating its impact on protein function have been reported. ClinVar contains an entry for this variant (Variation ID: 1905254). Based on the evidence outlined above, the variant was classified as uncertain significance.

Labcorp Genetics (formerly Invitae), Labcorp
Classification: Likely benign. Last evaluated: 2025-07-23. Review status: criteria provided, single submitter. Criteria: Invitae Variant Classification Sherloc (09022015). Collection method: clinical testing. Allele origin: germline.

Dr. Peter K. Rogan Lab, Western University
No classification provided (evidence only). Condition: Acute myeloid leukemia. Review status: no classification provided. Collection method: in vitro. Allele origin: not applicable. Functional consequence: retained intron. Not counted in ClinVar's aggregate classification.